The following is an entry in ClinVar:

NM_005431.2(XRCC2):c.218G>T (p.Gly73Val)

Gene: XRCC2 (X-ray repair cross complementing 2; minus strand). Cytogenetic location: 7q36.1.
Variant type: single nucleotide variant.
Coding change: c.218G>T on transcript NM_005431.2 (MANE Select); coding-DNA position 218, G replaced by T.
Protein change: p.Gly73Val; replaces glycine 73 with valine.
Molecular consequence: missense variant.
Genome position (GRCh38, 1-based): chr7:152,649,267, C>A on the plus strand (G>T on the coding strand, the complement: XRCC2 is on the minus strand). VCF-style: chr7-152649267-C-A. GRCh37 (hg19) VCF-style: chr7-152346352-C-A.
Other names: short protein forms G73V.
Identifiers: ClinVar variation 4781363 (VCV004781363.1).

ClinVar aggregate classification (germline): Uncertain significance (1 of 4 stars; one submission).

Submission:

Labcorp Genetics (formerly Invitae), Labcorp
Classification: Uncertain significance. Last evaluated: 2026-02-03. Review status: criteria provided, single submitter. Criteria: Invitae Variant Classification Sherloc (09022015). Collection method: clinical testing. Allele origin: germline.
Comment: This sequence change replaces glycine, which is neutral and non-polar, with valine, which is neutral and non-polar, at codon 73 of the XRCC2 protein (p.Gly73Val). This variant is not present in population databases (gnomAD no frequency). This variant has not been reported in the literature in individuals affected with XRCC2-related conditions. An algorithm developed to predict the effect of missense changes on protein structure and function (PolyPhen-2) suggests that this variant is likely to be disruptive. In summary, the available evidence is currently insufficient to determine the role of this variant in disease. Therefore, it has been classified as a Variant of Uncertain Significance.